The following is an entry in ClinVar:

ClinVar aggregate classification (germline): Benign/Likely benign. Review status: criteria provided, multiple submitters, no conflicts (2 of 4 stars). 3 submissions from 3 submitters: Benign (1); Likely benign (2). Last evaluated 2025-11-10.

Conditions:
Hereditary cancer-predisposing syndrome. Also called: Hereditary Cancer Syndrome; Tumor predisposition; Neoplastic Syndromes, Hereditary; Hereditary neoplastic syndrome. Identifiers: Orphanet 140162, MedGen C0027672, MeSH D009386, MONDO:0015356.
Hereditary diffuse gastric adenocarcinoma (HDGC). Also called: DIFFUSE GASTRIC AND LOBULAR BREAST CANCER SYNDROME. Identifiers: Orphanet 26106, MedGen C1708349, MONDO:0007648, OMIM 137215.

gnomAD v4.1: 1 of 1,613,846 alleles (0.000062%); highest among the groups gnomAD compares: South Asian, 0.0011%; no homozygotes.

Submissions (3):

Color Diagnostics, LLC DBA Color Health
Classification: Likely benign for Hereditary cancer-predisposing syndrome. Last evaluated: 2025-11-10. Review status: criteria provided, single submitter. Criteria: ACMG Guidelines, 2015. Collection method: clinical testing. Allele origin: germline.

Myriad Genetics, Inc.
Classification: Benign for Hereditary diffuse gastric adenocarcinoma. Last evaluated: 2024-09-20. Review status: criteria provided, single submitter. Criteria: Myriad Autosomal Dominant, Autosomal Recessive and X-Linked Classification Criteria (2023). Collection method: clinical testing. Allele origin: unknown.
Comment: This variant is considered benign. This variant is a silent/synonymous amino acid change and it is not expected to impact splicing.

Ambry Genetics
Classification: Likely benign for Hereditary cancer-predisposing syndrome. Last evaluated: 2023-10-09. Review status: criteria provided, single submitter. Criteria: Ambry Variant Classification Scheme 2023. Collection method: clinical testing. Allele origin: germline.

NM_004360.5(CDH1):c.2103C>G (p.Val701=)

Gene: CDH1 (cadherin 1; plus strand). Cytogenetic location: 16q22.1.
Variant type: single nucleotide variant.
Coding change: c.2103C>G on transcript NM_004360.5 (MANE Select); coding-DNA position 2103, C replaced by G.
Protein change: p.Val701=; no amino-acid change (valine 701 retained).
Molecular consequence: synonymous variant.
Genome position (GRCh38, 1-based): chr16:68,823,565, C>G. VCF-style: chr16-68823565-C-G. GRCh37 (hg19) VCF-style: chr16-68857468-C-G.
Other names: c.1920C>G, p.Val640= (NM_001317184.2); c.555C>G, p.Val185= (NM_001317185.2); c.138C>G, p.Val46= (NM_001317186.2).
Identifiers: ClinVar variation 3224167 (VCV003224167.3), dbSNP rs730881656, ClinGen allele CA496392454.
Genomic context (GRCh38, chr16:68,823,565, plus strand): 5'-AGAGGTCAGCGTGTGTGACTGTGAAGGGGCCGCTGGCGTCTGTAGGAAGGCACAGCCTGT[C>G]GAAGCAGGATTGCAAATTCCTGCCATTCTGGGGATTCTTGGAGGAATTCTTGCTTTGCTA-3'
Protein context (NP_004351.1, residues 691-711): AAGVCRKAQP[Val701=]EAGLQIPAIL